The following is an entry in ClinVar:

ClinVar aggregate classification (germline): Uncertain significance (1 of 4 stars; one submission).

gnomAD v4.1: 9 of 1,611,200 alleles (0.00056%); highest among the groups gnomAD compares: Non-Finnish European, 0.00076%; no homozygotes.

Submission:

GeneDx
Classification: Uncertain significance. Last evaluated: 2019-11-21. Review status: criteria provided, single submitter. Criteria: GeneDx Variant Classification Process June 2021. Collection method: clinical testing. Allele origin: germline. Affected: yes.
Comment: Not observed in large population cohorts (Lek et al., 2016); In silico analysis, which includes protein predictors and evolutionary conservation, supports that this variant does not alter protein structure/function; Has not been previously published as pathogenic or benign to our knowledge

NM_016239.4(MYO15A):c.593C>T (p.Ala198Val)

Gene: MYO15A (myosin XVA; plus strand). Cytogenetic location: 17p11.2.
Variant type: single nucleotide variant.
Coding change: c.593C>T on transcript NM_016239.4 (MANE Select); coding-DNA position 593, C replaced by T.
Protein change: p.Ala198Val; replaces alanine 198 with valine.
Molecular consequence: missense variant.
Genome position (GRCh38, 1-based): chr17:18,119,393, C>T. VCF-style: chr17-18119393-C-T. GRCh37 (hg19) VCF-style: chr17-18022707-C-T.
Other names: short protein forms A198V.
Identifiers: ClinVar variation 1302918 (VCV001302918.2), dbSNP rs1287708291, ClinGen allele CA398574221.